The following is an entry in ClinVar:

ClinVar aggregate classification (germline): Uncertain significance (1 of 4 stars; one submission).

Submissions (2):

GeneDx
Classification: Uncertain significance. Last evaluated: 2023-10-02. Review status: criteria provided, single submitter. Criteria: GeneDx Variant Classification Process June 2021. Collection method: clinical testing. Allele origin: germline. Affected: yes.
Comment: Published functional studies classify as non-functional in a saturation genome editing assay measuring growth in a BRCA1 null cell line (PMID: 30209399); In silico analysis supports that this missense variant does not alter protein structure/function; Not observed at significant frequency in large population cohorts (gnomAD); Also known as 5128G>A; This variant is associated with the following publications: (PMID: 23333482, 25348405, 30209399)

Brotman Baty Institute, University of Washington
No classification provided (evidence only). Condition: Breast-ovarian cancer, familial 1. Review status: no classification provided. Collection method: in vitro. Allele origin: not applicable. Functional consequence: functionally_abnormal. Not counted in ClinVar's aggregate classification.
ClinVar note: "not provided" was previously submitted as the classification for the variant. However, the classification appeared to be based only on an observation of functional data so it was converted to no classification on 2025-07-30.

NM_007294.4(BRCA1):c.5009G>A (p.Arg1670Lys)

Gene: BRCA1 (BRCA1 DNA repair associated; minus strand). Cytogenetic location: 17q21.31.
Variant type: single nucleotide variant.
Coding change: c.5009G>A on transcript NM_007294.4 (MANE Select); coding-DNA position 5009, G replaced by A.
Protein change: p.Arg1670Lys; replaces arginine 1670 with lysine.
Molecular consequence: missense variant. On other transcripts: non-coding transcript variant (1).
Genome position (GRCh38, 1-based): chr17:43,067,673, C>T on the plus strand (G>A on the coding strand, the complement: BRCA1 is on the minus strand). VCF-style: chr17-43067673-C-T. GRCh37 (hg19) VCF-style: chr17-41219690-C-T.
Other names: c.1571G>A, p.Arg524Lys (NM_001408448.1, NM_001408450.1, NM_001408445.1 and 2 more transcripts); c.1565G>A, p.Arg522Lys (NM_001408451.1); c.1559G>A, p.Arg520Lys (NM_001408452.1, NM_001408453.1, NM_001408454.1 and 3 more transcripts); c.1556G>A, p.Arg519Lys (NM_001408465.1, NM_001408466.1, NM_001408467.1 and 7 more transcripts); c.1553G>A, p.Arg518Lys (NM_001408468.1, NM_001408469.1, NM_001408470.1); c.1697G>A, p.Arg566Lys (NM_001408472.1, NM_007298.4, NM_007299.4 and 13 more transcripts); c.1694G>A, p.Arg565Lys (NM_001408473.1, NM_001408392.1, NM_001408396.1 and 8 more transcripts); c.1499G>A, p.Arg500Lys (NM_001408474.1); and 70 more; short protein forms R1670K, R566K, R1623K, R1691K, R1374K, R1516K, R1598K, R1601K.
Identifiers: ClinVar variation 865528 (VCV000865528.4), dbSNP rs2052182633, ClinGen allele CA10591503.
Genomic context (GRCh38, chr17:43,067,673, plus strand): 5'-TTCATAACAACATGAGTAGTCTCTTCAGTAATTAGATTAGTTAAAGTGATGTGGTGTTTT[C>T]TGGCAAACTTGTACACGAGCATCTGAAATTAAATCAAATATTCCATTATCATGAGTTACC-3'
Protein context (NP_009225.1, residues 1660-1680): EEFMLVYKFA[Arg1670Lys]KHHITLTNLI